The following is an entry in ClinVar:

NM_000255.4(MMUT):c.1879C>G (p.His627Asp)

Gene: MMUT (methylmalonyl-CoA mutase; minus strand). Cytogenetic location: 6p12.3.
Variant type: single nucleotide variant.
Coding change: c.1879C>G on transcript NM_000255.4 (MANE Select); coding-DNA position 1879, C replaced by G.
Protein change: p.His627Asp; replaces histidine 627 with aspartic acid.
Molecular consequence: missense variant.
Genome position (GRCh38, 1-based): chr6:49,440,283, G>C on the plus strand (C>G on the coding strand, the complement: MMUT is on the minus strand). VCF-style: chr6-49440283-G-C. GRCh37 (hg19) VCF-style: chr6-49407996-G-C.
Other names: short protein forms H627D.
Identifiers: ClinVar variation 4850270 (VCV004850270.1).

ClinVar aggregate classification (germline): Likely pathogenic (1 of 4 stars; one submission).

Conditions:
Methylmalonic aciduria due to methylmalonyl-CoA mutase deficiency (MAMM). Also called: Methylmalonic aciduria, mut type. Identifiers: Orphanet 27, MedGen C1855114, MONDO:0009612, OMIM 251000.

Submission:

First Genomix Gene Laboratory, Genetic Diagnostics Department
Classification: Likely pathogenic for Methylmalonic aciduria due to methylmalonyl-CoA mutase deficiency. Last evaluated: 2025-09-03. Review status: criteria provided, single submitter. Criteria: ACMG Guidelines, 2015. Collection method: clinical testing. Allele origin: germline. Inheritance: Autosomal recessive inheritance. Affected: no. Observed: 1 variant allele.